The following is an entry in ClinVar:

ClinVar aggregate classification (germline): Uncertain significance (1 of 4 stars; one submission).

Submission:

GeneDx
Classification: Uncertain significance. Last evaluated: 2024-08-20. Review status: criteria provided, single submitter. Criteria: GeneDx Variant Classification Process June 2021. Collection method: clinical testing. Allele origin: germline. Affected: yes.
Comment: In-frame duplication of 9 amino acids in a non-repeat region; In-silico analysis is inconclusive as to whether the variant alters gene splicing. In the absence of RNA/functional studies, the actual effect of this sequence change is unknown.; Not observed at significant frequency in large population cohorts (gnomAD); Has not been previously published as pathogenic or benign to our knowledge

NM_003482.4(KMT2D):c.2361_2387dup (p.Gln800_Pro801insAlaGluGlyProHisLeuSerProGln)

Gene: KMT2D (lysine methyltransferase 2D; minus strand). Cytogenetic location: 12q13.12.
Variant type: Duplication.
Coding change: c.2361_2387dup on transcript NM_003482.4 (MANE Select); coding-DNA positions 2361 to 2387, 27 bases duplicated (CTTGTCCCCCCAGGCTGAGGGACCACA).
Protein change: p.Gln800_Pro801insAlaGluGlyProHisLeuSerProGln.
Molecular consequence: inframe indel (on NM_003482.3).
Genome position (GRCh38, 1-based): chr12:49,051,296-49,051,322, TGTGGTCCCTCAGCCTGGGGGGACAAG duplicated on the plus strand (CTTGTCCCCCCAGGCTGAGGGACCACA on the coding strand, the reverse complement: KMT2D is on the minus strand); duplicating any 27 consecutive bases within chr12:49,051,296-49,051,327 gives the same sequence; the c. name uses the placement nearest the transcript's 3' end. VCF-style (leftmost placement, unchanged base first): chr12-49051295-A-ATGTGGTCCCTCAGCCTGGGGGGACAAG. GRCh37 (hg19) VCF-style: chr12-49445078-A-ATGTGGTCCCTCAGCCTGGGGGGACAAG.
Other names: c.2361_2387dup (NM_003482.3).
Identifiers: ClinVar variation 3764186 (VCV003764186.1).